The following is an entry in ClinVar:

ClinVar aggregate classification (germline): Uncertain significance (1 of 4 stars; one submission).

Allele frequency attached by ClinVar (database versions not stated): gnomAD 0.00001.
gnomAD v4.1: 3 of 1,608,346 alleles (0.00019%); highest among the groups gnomAD compares: Non-Finnish European, 0.00026%; no homozygotes.

Submission:

Ambry Genetics
Classification: Uncertain significance. Last evaluated: 2021-06-27. Review status: criteria provided, single submitter. Criteria: Ambry Variant Classification Scheme 2023. Collection method: clinical testing. Allele origin: germline.
Comment: The p.A1174D variant (also known as c.3521C>A), located in coding exon 30 of the PRKDC gene, results from a C to A substitution at nucleotide position 3521. The alanine at codon 1174 is replaced by aspartic acid, an amino acid with dissimilar properties. This amino acid position is conserved. In addition, this alteration is predicted to be tolerated by in silico analysis. Since supporting evidence is limited at this time, the clinical significance of this alteration remains unclear.

NM_006904.7(PRKDC):c.3521C>A (p.Ala1174Asp)

Gene: PRKDC (protein kinase, DNA-activated, catalytic subunit; minus strand). Cytogenetic location: 8q11.21.
Variant type: single nucleotide variant.
Coding change: c.3521C>A on transcript NM_006904.7 (MANE Select); coding-DNA position 3521, C replaced by A.
Protein change: p.Ala1174Asp; replaces alanine 1174 with aspartic acid.
Molecular consequence: missense variant.
Genome position (GRCh38, 1-based): chr8:47,897,238, G>T on the plus strand (C>A on the coding strand, the complement: PRKDC is on the minus strand). VCF-style: chr8-47897238-G-T. GRCh37 (hg19) VCF-style: chr8-48809798-G-T.
Other names: c.3521C>A, p.Ala1174Asp (NM_001081640.2); short protein forms A1174D.
Identifiers: ClinVar variation 1732277 (VCV001732277.2), dbSNP rs747337102, ClinGen allele CA371153747.